The following is an entry in ClinVar:

NM_177438.3(DICER1):c.5263C>G (p.His1755Asp)

Gene: DICER1 (dicer 1, ribonuclease III; minus strand). Cytogenetic location: 14q32.13.
Variant type: single nucleotide variant.
Coding change: c.5263C>G on transcript NM_177438.3 (MANE Select); coding-DNA position 5263, C replaced by G.
Protein change: p.His1755Asp; replaces histidine 1755 with aspartic acid.
Molecular consequence: missense variant.
Genome position (GRCh38, 1-based): chr14:95,093,989, G>C on the plus strand (C>G on the coding strand, the complement: DICER1 is on the minus strand). VCF-style: chr14-95093989-G-C. GRCh37 (hg19) VCF-style: chr14-95560326-G-C.
Other names: c.5263C>G, p.His1755Asp (NM_001195573.1, NM_001271282.3, NM_001291628.2 and 1 more transcripts); short protein forms H1755D.
Identifiers: ClinVar variation 1350563 (VCV001350563.9), dbSNP rs2139812216, ClinGen allele CA390865089.

ClinVar aggregate classification (germline): Uncertain significance (1 of 4 stars; one submission).

Conditions:
DICER1-related tumor predisposition. Also called: DICER1 syndrome; DICER1-related pleuropulmonary blastoma cancer predisposition syndrome. Identifiers: Orphanet 284343, MedGen C3839822, MONDO:0100216.

Submission:

Labcorp Genetics (formerly Invitae), Labcorp
Classification: Uncertain significance for DICER1-related tumor predisposition. Last evaluated: 2021-05-01. Review status: criteria provided, single submitter. Criteria: Invitae Variant Classification Sherloc (09022015). Collection method: clinical testing. Allele origin: germline.
Comment: In summary, the available evidence is currently insufficient to determine the role of this variant in disease. Therefore, it has been classified as a Variant of Uncertain Significance. This sequence change replaces histidine with aspartic acid at codon 1755 of the DICER1 protein (p.His1755Asp). The histidine residue is highly conserved and there is a moderate physicochemical difference between histidine and aspartic acid. This variant is not present in population databases (ExAC no frequency). This variant has not been reported in the literature in individuals with DICER1-related conditions. Algorithms developed to predict the effect of missense changes on protein structure and function (SIFT, PolyPhen-2, Align-GVGD) all suggest that this variant is likely to be disruptive, but these predictions have not been confirmed by published functional studies and their clinical significance is uncertain.